The following is an entry in ClinVar:

NM_005476.7(GNE):c.1730C>T (p.Pro577Leu)

Gene: GNE (glucosamine (UDP-N-acetyl)-2-epimerase/N-acetylmannosamine kinase; minus strand). Cytogenetic location: 9p13.3.
Variant type: single nucleotide variant.
Coding change: c.1730C>T on transcript NM_005476.7 (MANE Select); coding-DNA position 1730, C replaced by T.
Protein change: p.Pro577Leu; replaces proline 577 with leucine.
Molecular consequence: missense variant.
Genome position (GRCh38, 1-based): chr9:36,219,924, G>A on the plus strand (C>T on the coding strand, the complement: GNE is on the minus strand). VCF-style: chr9-36219924-G-A. GRCh37 (hg19) VCF-style: chr9-36219921-G-A.
Other names: c.1823C>T, p.Pro608Leu (NM_001128227.3); c.1508C>T, p.Pro503Leu (NM_001190383.3); c.1400C>T, p.Pro467Leu (NM_001190384.3); c.1553C>T, p.Pro518Leu (NM_001190388.2, NM_001374798.1); c.1577C>T, p.Pro526Leu (NM_001374797.1); short protein forms P577L, P608L, P518L, P467L, P503L, P526L.
Identifiers: ClinVar variation 931306 (VCV000931306.8), dbSNP rs1828512489, ClinGen allele CA373425656.

ClinVar aggregate classification (germline): Uncertain significance. Review status: criteria provided, multiple submitters, no conflicts (2 of 4 stars). 3 submissions from 3 submitters: Uncertain significance (3). Last evaluated 2021-11-16.

Conditions:
GNE myopathy (NM). Also called: NONAKA DISTAL MYOPATHY; MYOPATHY, DISTAL, WITH OR WITHOUT RIMMED VACUOLES; INCLUSION BODY MYOPATHY, HEREDITARY, AUTOSOMAL RECESSIVE; INCLUSION BODY MYOPATHY 2, AUTOSOMAL RECESSIVE; IBM 2; Inclusion body myopathy autosomal recessive. Identifiers: Orphanet 602, MedGen C1853926, MONDO:0011603, OMIM 605820.

Allele frequency attached by ClinVar (database versions not stated): gnomAD exomes below 0.00001.
gnomAD v4.1: 1 of 1,614,140 alleles (0.000062%); highest among the groups gnomAD compares: Non-Finnish European, 0.000085%; no homozygotes.

Submissions (3):

MGZ Medical Genetics Center
Classification: Uncertain significance for GNE myopathy. Last evaluated: 2021-11-16. Review status: criteria provided, single submitter. Criteria: ACMG Guidelines, 2015. Collection method: clinical testing. Allele origin: germline. Affected: yes. Observed: 1 variant allele.
Comment: ACMG criteria applied: PM2_SUP, PP3

Revvity Omics, Revvity
Classification: Uncertain significance. Last evaluated: 2019-05-24. Review status: criteria provided, single submitter. Criteria: ACMG Guidelines, 2015. Collection method: clinical testing. Allele origin: germline.

Centre for Mendelian Genomics, University Medical Centre Ljubljana
Classification: Uncertain significance for GNE myopathy. Last evaluated: 2019-03-08. Review status: criteria provided, single submitter. Criteria: ACMG Guidelines, 2015. Collection method: clinical testing. Allele origin: unknown. Affected: yes.
Comment: This variant was classified as: Uncertain significance. The available evidence on this variant's pathogenicity is insufficient or conflicting. The following ACMG criteria were applied in classifying this variant: PM2,PP3.